The following is an entry in ClinVar:

ClinVar aggregate classification (germline): Uncertain significance (1 of 4 stars; one submission).

Submission:

Labcorp Genetics (formerly Invitae), Labcorp
Classification: Uncertain significance. Last evaluated: 2021-09-01. Review status: criteria provided, single submitter. Criteria: Invitae Variant Classification Sherloc (09022015). Collection method: clinical testing. Allele origin: germline.
Comment: This sequence change replaces alanine with glutamic acid at codon 1966 of the CDH23 protein (p.Ala1966Glu). The alanine residue is highly conserved and there is a moderate physicochemical difference between alanine and glutamic acid. This variant is not present in population databases (ExAC no frequency). This variant has not been reported in the literature in individuals affected with CDH23-related conditions. Algorithms developed to predict the effect of missense changes on protein structure and function are either unavailable or do not agree on the potential impact of this missense change (SIFT: "Deleterious"; PolyPhen-2: "Not Available"; Align-GVGD: "Class C65"). In summary, the available evidence is currently insufficient to determine the role of this variant in disease. Therefore, it has been classified as a Variant of Uncertain Significance.

NM_022124.6(CDH23):c.5897C>A (p.Ala1966Glu)

Gene: CDH23 (cadherin related 23; plus strand). Cytogenetic location: 10q22.1.
Variant type: single nucleotide variant.
Coding change: c.5897C>A on transcript NM_022124.6 (MANE Select); coding-DNA position 5897, C replaced by A.
Protein change: p.Ala1966Glu; replaces alanine 1966 with glutamic acid.
Molecular consequence: missense variant.
Genome position (GRCh38, 1-based): chr10:71,789,016, C>A. VCF-style: chr10-71789016-C-A. GRCh37 (hg19) VCF-style: chr10-73548773-C-A.
Other names: short protein forms A1966E.
Identifiers: ClinVar variation 1522297 (VCV001522297.5), dbSNP rs2132945745, ClinGen allele CA377149811.